The following is an entry in ClinVar:

ClinVar aggregate classification (germline): Uncertain significance (1 of 4 stars; one submission).

Conditions:
Nephronophthisis. Also called: Juvenile Nephronophthisis. Identifiers: Orphanet 655, MedGen C0687120, MONDO:0019005, HP:0000090.

Submission:

Labcorp Genetics (formerly Invitae), Labcorp
Classification: Uncertain significance for Nephronophthisis. Last evaluated: 2022-07-17. Review status: criteria provided, single submitter. Criteria: Invitae Variant Classification Sherloc (09022015). Collection method: clinical testing. Allele origin: germline.
Comment: This variant has not been reported in the literature in individuals affected with NPHP4-related conditions. In summary, the available evidence is currently insufficient to determine the role of this variant in disease. Therefore, it has been classified as a Variant of Uncertain Significance. Experimental studies and prediction algorithms are not available or were not evaluated, and the functional significance of this variant is currently unknown. A copy number gain of the genomic region encompassing the full coding sequence of the NPHP4 gene has been identified. The boundaries of this event are unknown as they extend beyond the assayed region for this gene and therefore may encompass additional genes. As the precise location of this event is unknown, it may be in tandem or it may be located elsewhere in the genome.

NC_000001.10:g.(?_5923325)_(6046349_?)dup

Gene: NPHP4 (nephrocystin 4; minus strand). Cytogenetic location: 1p36.31.
Variant type: Duplication.
Identifiers: ClinVar variation 1442108 (VCV001442108.5).